The following is an entry in ClinVar:

NM_001040108.2(MLH3):c.1109G>C (p.Gly370Ala)

Gene: MLH3 (mutL homolog 3; minus strand). Cytogenetic location: 14q24.3.
Variant type: single nucleotide variant.
Coding change: c.1109G>C on transcript NM_001040108.2 (MANE Select); coding-DNA position 1109, G replaced by C.
Protein change: p.Gly370Ala; replaces glycine 370 with alanine.
Molecular consequence: missense variant.
Genome position (GRCh38, 1-based): chr14:75,048,547, C>G on the plus strand (G>C on the coding strand, the complement: MLH3 is on the minus strand). VCF-style: chr14-75048547-C-G. GRCh37 (hg19) VCF-style: chr14-75515250-C-G.
Other names: c.1109G>C, p.Gly370Ala (NM_014381.3); short protein forms G370A.
Identifiers: ClinVar variation 960298 (VCV000960298.11), dbSNP rs575329147, ClinGen allele CA390447492.
Genomic context (GRCh38, chr14:75,048,547, plus strand): 5'-AAATTGCTCCTCTCATCGGAAGTCACACGCTTCTGAAGAGTAGCATCAAATAAACTAAAA[C>G]CATTATCTTCACTAAATTCCTTAATATCCTCACCTGATAATTCCACAAATAATTTTTCTT-3'
Protein context (NP_001035197.1, residues 360-380): EDIKEFSEDN[Gly370Ala]FSLFDATLQK

ClinVar aggregate classification (germline): Uncertain significance. Review status: criteria provided, multiple submitters, no conflicts (2 of 4 stars). 2 submissions from 2 submitters: Uncertain significance (2). Last evaluated 2025-03-13.

Conditions:
Colorectal cancer, hereditary nonpolyposis, type 7. Identifiers: Orphanet 144, MedGen C1858380, MONDO:0013725, OMIM 614385.

Allele frequency attached by ClinVar (database versions not stated): gnomAD 0.00002; TOPMed 0.00002.
gnomAD v4.1: 28 of 1,613,094 alleles (0.0017%); highest among the groups gnomAD compares: Non-Finnish European, 0.0023%; no homozygotes.

Submissions (2):

Labcorp Genetics (formerly Invitae), Labcorp
Classification: Uncertain significance for Colorectal cancer, hereditary nonpolyposis, type 7. Last evaluated: 2025-03-13. Review status: criteria provided, single submitter. Criteria: Invitae Variant Classification Sherloc (09022015). Collection method: clinical testing. Allele origin: germline.
Comment: This sequence change replaces glycine, which is neutral and non-polar, with alanine, which is neutral and non-polar, at codon 370 of the MLH3 protein (p.Gly370Ala). This variant is present in population databases (no rsID available, gnomAD 0.003%). This variant has not been reported in the literature in individuals affected with MLH3-related conditions. ClinVar contains an entry for this variant (Variation ID: 960298). An algorithm developed to predict the effect of missense changes on protein structure and function (PolyPhen-2) suggests that this variant is likely to be tolerated. In summary, the available evidence is currently insufficient to determine the role of this variant in disease. Therefore, it has been classified as a Variant of Uncertain Significance.

Ambry Genetics
Classification: Uncertain significance. Last evaluated: 2024-05-14. Review status: criteria provided, single submitter. Criteria: Ambry Variant Classification Scheme 2023. Collection method: clinical testing. Allele origin: germline.